The following is an entry in ClinVar:

ClinVar aggregate classification (germline): Likely pathogenic. Review status: reviewed by expert panel (3 of 4 stars). 3 submissions from 3 submitters: Likely pathogenic (1). 2 of the submissions do not count toward it. Last evaluated 2025-12-12.

Conditions:
Telangiectasia, hereditary hemorrhagic, type 2 (HHT2). Also called: ACVRL1-Related Hereditary Hemorrhagic Telangiectasia; Telangiectasia, hereditary hemorrhagic, type II. Identifiers: Orphanet 774, MedGen C1838163, MONDO:0010880, OMIM 600376. Disease mechanism: loss of function.
Cardiovascular phenotype. Identifiers: MedGen CN230736.

Allele frequency attached by ClinVar (database versions not stated): gnomAD exomes below 0.00001.
gnomAD v4.1: 1 of 1,613,840 alleles (0.000062%); highest among the groups gnomAD compares: Non-Finnish European, 0.000085%; no homozygotes.

Submissions (3):

ClinGen Hereditary Hemorrhagic Telangiectasia Variant Curation Expert Panel, ClinGen
Classification: Likely pathogenic for Telangiectasia, hereditary hemorrhagic, type 2. Last evaluated: 2025-12-12. Review status: reviewed by expert panel. Criteria: ClinGen HHT ACMG Specifications ACVRL1 V1.1.0. Collection method: curation. Allele origin: germline. Inheritance: Autosomal dominant inheritance.
Comment: The NM_000020.3:c.557G>T variant in ACVRL1 is a missense variant predicted to cause substitution of serine by isoleucine at amino acid 186 (p.Ser186Ile). This variant is absent from gnomAD v2.1.1 (PM2_Supporting). The computational predictor REVEL gives a score of 0.915 which is above the threshold of 0.644, evidence that correlates with impact to ACVRL1 function (PP3_Supporting). This variant has been reported in 2 probands with a phenotype consistent with Hereditary Hemorrhagic Telangiectasia (PS4_Moderate, Ambry). At least one patient's phenotype meets Curacao Criteria for HHT, and sequencing and large deletion/duplication analysis was performed for ENG and ACVRL1, which is highly specific for HHT (PP4_Moderate; Internal lab contributors). In summary, this variant meets the criteria to be classified as likely pathogenic for autosomal dominant hereditary hemorrhagic telangiectasia based on the ACMG/AMP criteria applied, as specified by the ClinGen Hereditary Hemorrhagic Telangiectasia Variant Curation Expert Panel. Approved by Expert Panel: 12/12/2025: PS4_Moderate, PP4_Moderate, PM2_Supporting, PP3_Supporting (specifications version 1.1.0; 12/12/2025).

Ambry Genetics
Classification: Pathogenic for Cardiovascular phenotype. Last evaluated: 2026-08-20. Review status: criteria provided, single submitter. Criteria: Ambry Variant Classification Scheme 2023. Collection method: clinical testing. Allele origin: germline. Not counted in ClinVar's aggregate classification.
Comment: The p.S186I pathogenic mutation (also known as c.557G>T), located in coding exon 4 of the ACVRL1 gene, results from a G to T substitution at nucleotide position 557. The serine at codon 186 is replaced by isoleucine, an amino acid with dissimilar properties. This variant was identified in one or more individuals with features consistent with hereditary hemorrhagic telangiectasia and segregated with disease in at least one family (Ambry internal data). This amino acid position is highly conserved in available vertebrate species. In addition, this alteration is predicted to be deleterious by in silico analysis. Based on the supporting evidence, this variant is interpreted as a disease-causing mutation.

Labcorp Genetics (formerly Invitae), Labcorp
Classification: Likely pathogenic for Telangiectasia, hereditary hemorrhagic, type 2. Last evaluated: 2024-05-09. Review status: criteria provided, single submitter. Criteria: Invitae Variant Classification Sherloc (09022015). Collection method: clinical testing. Allele origin: germline. Not counted in ClinVar's aggregate classification.
Comment: This sequence change replaces serine, which is neutral and polar, with isoleucine, which is neutral and non-polar, at codon 186 of the ACVRL1 protein (p.Ser186Ile). This variant is not present in population databases (gnomAD no frequency). This missense change has been observed in individual(s) with clinical features of hereditary hemorrhagic telangiectasia (HHT) (Invitae). ClinVar contains an entry for this variant (Variation ID: 573410). Advanced modeling of protein sequence and biophysical properties (such as structural, functional, and spatial information, amino acid conservation, physicochemical variation, residue mobility, and thermodynamic stability) performed at Invitae indicates that this missense variant is expected to disrupt ACVRL1 protein function with a positive predictive value of 95%. In summary, the currently available evidence indicates that the variant is pathogenic, but additional data are needed to prove that conclusively. Therefore, this variant has been classified as Likely Pathogenic.

NM_000020.3(ACVRL1):c.557G>T (p.Ser186Ile)

Gene: ACVRL1 (activin A receptor like type 1; plus strand). Cytogenetic location: 12q13.13.
Variant type: single nucleotide variant.
Coding change: c.557G>T on transcript NM_000020.3 (MANE Select); coding-DNA position 557, G replaced by T.
Protein change: p.Ser186Ile; replaces serine 186 with isoleucine.
Molecular consequence: missense variant.
Genome position (GRCh38, 1-based): chr12:51,914,005, G>T. VCF-style: chr12-51914005-G-T. GRCh37 (hg19) VCF-style: chr12-52307789-G-T.
Other names: NM_000020.3(ACVRL1):c.557G>T; p.Ser186Ile; c.557G>T, p.Ser186Ile (NM_001077401.2); short protein forms S186I.
Identifiers: ClinVar variation 573410 (VCV000573410.13), dbSNP rs1288729113, ClinGen allele CA384899596.
Genomic context (GRCh38, chr12:51,914,005, plus strand): 5'-GCCTCTCAGTGGCCTCTCCGTACCCCCAGGACCTCCTGGACAGTGACTGCACCACAGGGA[G>T]TGGCTCAGGGCTCCCCTTCCTGGTGCAGAGGACAGTGGCACGGCAGGTTGCCTTGGTGGA-3'
Protein context (NP_000011.2, residues 176-196): DLLDSDCTTG[Ser186Ile]GSGLPFLVQR